The following is an entry in ClinVar:

NM_024528.4(NKAP):c.450A>C (p.Pro150=)

Gene: NKAP (NFKB activating protein; minus strand). Cytogenetic location: Xq24.
Variant type: single nucleotide variant.
Coding change: c.450A>C on transcript NM_024528.4 (MANE Select); coding-DNA position 450, A replaced by C.
Protein change: p.Pro150=; no amino-acid change (proline 150 retained).
Molecular consequence: synonymous variant.
Genome position (GRCh38, 1-based): chrX:119,938,747, T>G on the plus strand (A>C on the coding strand, the complement: NKAP is on the minus strand). VCF-style: chrX-119938747-T-G. GRCh37 (hg19) VCF-style: chrX-119072710-T-G.
Identifiers: ClinVar variation 5040666 (VCV005040666.1).

ClinVar aggregate classification (germline): Likely benign (1 of 4 stars; one submission).

gnomAD v4.1: 8 of 1,193,104 alleles (0.00067%); highest among the groups gnomAD compares: Admixed American, 0.011%; no homozygotes.

Submission:

CeGaT Center for Human Genetics Tuebingen
Classification: Likely benign. Last evaluated: 2026-08-01. Review status: criteria provided, single submitter. Criteria: CeGaT Center For Human Genetics Tuebingen Variant Classification Criteria Version 2. Collection method: clinical testing. Allele origin: germline. Affected: yes. Observed: 1 variant allele.
Comment: NKAP: BP4, BP7